The following is an entry in ClinVar:

NM_001277.3(CHKA):c.1290T>C (p.Ile430=)

Gene: CHKA (choline kinase alpha; minus strand). Cytogenetic location: 11q13.2.
Variant type: single nucleotide variant.
Coding change: c.1290T>C on transcript NM_001277.3 (MANE Select); coding-DNA position 1290, T replaced by C.
Protein change: p.Ile430=; no amino-acid change (isoleucine 430 retained).
Molecular consequence: synonymous variant. On other transcripts: non-coding transcript variant (1).
Genome position (GRCh38, 1-based): chr11:68,061,977, A>G on the plus strand (T>C on the coding strand, the complement: CHKA is on the minus strand). VCF-style: chr11-68061977-A-G. GRCh37 (hg19) VCF-style: chr11-67829444-A-G.
Other names: c.1320T>C, p.Ile440= (NM_001376219.1); c.1176T>C, p.Ile392= (NM_001376220.1); c.924T>C, p.Ile308= (NM_001376221.1); c.870T>C, p.Ile290= (NM_001376222.1); c.1236T>C, p.Ile412= (NM_212469.2).
Identifiers: ClinVar variation 2642028 (VCV002642028.24), dbSNP rs1309761408, ClinGen allele CA475455389.

ClinVar aggregate classification (germline): Likely benign (1 of 4 stars; one submission).

Allele frequency attached by ClinVar (database versions not stated): TOPMed below 0.00001; gnomAD 0.00001.
gnomAD v4.1: 3 of 1,597,644 alleles (0.00019%); highest among the groups gnomAD compares: Non-Finnish European, 0.00026%; no homozygotes.

Submission:

CeGaT Center for Human Genetics Tuebingen
Classification: Likely benign. Last evaluated: 2023-03-01. Review status: criteria provided, single submitter. Criteria: CeGaT Center For Human Genetics Tuebingen Variant Classification Criteria Version 2. Collection method: clinical testing. Allele origin: germline. Affected: yes. Observed: 1 variant allele.
Comment: CHKA: BP4, BP7